The following is an entry in ClinVar:

NM_173842.3(IL1RN):c.449T>C (p.Met150Thr)

Gene: IL1RN (interleukin 1 receptor antagonist; plus strand). Cytogenetic location: 2q14.1.
Variant type: single nucleotide variant.
Coding change: c.449T>C on transcript NM_173842.3 (MANE Select); coding-DNA position 449, T replaced by C.
Protein change: p.Met150Thr; replaces methionine 150 with threonine.
Molecular consequence: missense variant.
Genome position (GRCh38, 1-based): chr2:113,132,786, T>C. VCF-style: chr2-113132786-T-C. GRCh37 (hg19) VCF-style: chr2-113890363-T-C.
Other names: c.395T>C, p.Met132Thr (NM_000577.5); c.347T>C, p.Met116Thr (NM_001318914.2, NM_001379360.1, NM_173843.3); c.458T>C, p.Met153Thr (NM_173841.3); short protein forms M116T, M132T, M150T, M153T.
Identifiers: ClinVar variation 1002121 (VCV001002121.6), dbSNP rs781018527, ClinGen allele CA1838905.

ClinVar aggregate classification (germline): Uncertain significance (1 of 4 stars; one submission).

Conditions:
Sterile multifocal osteomyelitis with periostitis and pustulosis. Also called: CHRONIC RECURRENT MULTIFOCAL OSTEOMYELITIS 2, WITH PERIOSTITIS AND PUSTULOSIS. Identifiers: Orphanet 210115, MedGen C2748507, MONDO:0013021, OMIM 612852.

Allele frequency attached by ClinVar (database versions not stated): TOPMed below 0.00001; gnomAD exomes 0.00001 and 0.00002; ExAC 0.00002.

Submission:

Labcorp Genetics (formerly Invitae), Labcorp
Classification: Uncertain significance for Sterile multifocal osteomyelitis with periostitis and pustulosis. Last evaluated: 2021-08-26. Review status: criteria provided, single submitter. Criteria: Invitae Variant Classification Sherloc (09022015). Collection method: clinical testing. Allele origin: germline.
Comment: This sequence change replaces methionine with threonine at codon 153 of the IL1RN protein (p.Met153Thr). The methionine residue is weakly conserved and there is a moderate physicochemical difference between methionine and threonine. This variant is present in population databases (rs781018527, ExAC 0.02%). This variant has not been reported in the literature in individuals affected with IL1RN-related conditions. Algorithms developed to predict the effect of missense changes on protein structure and function are either unavailable or do not agree on the potential impact of this missense change (SIFT: "Deleterious"; PolyPhen-2: "Benign"; Align-GVGD: "Class C0"). In summary, the available evidence is currently insufficient to determine the role of this variant in disease. Therefore, it has been classified as a Variant of Uncertain Significance.